The following is an entry in ClinVar:

NM_013254.4(TBK1):c.1168A>C (p.Ile390Leu)

Gene: TBK1 (TANK binding kinase 1; plus strand). Cytogenetic location: 12q14.2.
Variant type: single nucleotide variant.
Coding change: c.1168A>C on transcript NM_013254.4 (MANE Select); coding-DNA position 1168, A replaced by C.
Protein change: p.Ile390Leu; replaces isoleucine 390 with leucine.
Molecular consequence: missense variant.
Genome position (GRCh38, 1-based): chr12:64,484,478, A>C. VCF-style: chr12-64484478-A-C. GRCh37 (hg19) VCF-style: chr12-64878258-A-C.
Other names: p.Ile390Leu; short protein forms I390L.
Identifiers: ClinVar variation 4541732 (VCV004541732.1).

ClinVar aggregate classification (germline): Uncertain significance (1 of 4 stars; one submission).

gnomAD v4.1: 1 of 1,601,586 alleles (0.000062%); highest among the groups gnomAD compares: Non-Finnish European, 0.000085%; no homozygotes.

Submission:

Mayo Clinic Laboratories, Mayo Clinic
Classification: Uncertain significance. Last evaluated: 2025-05-29. Review status: criteria provided, single submitter. Criteria: ACMG Guidelines, 2015. Collection method: clinical testing. Allele origin: germline. Observed: 1 variant allele.
Comment: BP4_moderate, PM2_supporting